The following is an entry in ClinVar:

NM_000548.5(TSC2):c.226-6_228dup

Gene: TSC2 (TSC complex subunit 2; plus strand). Cytogenetic location: 16p13.3.
Variant type: Duplication.
Coding change: c.226-6_228dup on transcript NM_000548.5 (MANE Select); 6 bases into the intron before coding-DNA position 226 through coding-DNA position 228, 9 bases duplicated (TGACAGCAC; older notation c.226-6_228dupTGACAGCAC).
Molecular consequence: splice acceptor variant. On other transcripts: intron variant (2).
Genome position (GRCh38, 1-based): chr16:2,053,336-2,053,344, TGACAGCAC duplicated. VCF-style (leftmost placement, unchanged base first): chr16-2053335-G-GTGACAGCAC. GRCh37 (hg19) VCF-style: chr16-2103336-G-GTGACAGCAC.
Other names: c.226-6_228dup (NM_001114382.3, NM_021055.3, NM_001370405.1 and 3 more transcripts); c.226-960_226-952dup (NM_001318827.2); c.-2+2850_-1-2852dup (NM_001318831.2); c.79-6_81dup (NM_001318829.2); c.259-6_261dup (NM_001318832.2).
Identifiers: ClinVar variation 1788701 (VCV001788701.2), dbSNP rs2548395946, ClinGen allele CA2580090608.

ClinVar aggregate classification (germline): Uncertain significance (1 of 4 stars; one submission).

Conditions:
Hereditary cancer-predisposing syndrome. Also called: Hereditary Cancer Syndrome; Hereditary neoplastic syndrome; Tumor predisposition; Neoplastic Syndromes, Hereditary. Identifiers: Orphanet 140162, MedGen C0027672, MeSH D009386, MONDO:0015356.

Submission:

Ambry Genetics
Classification: Uncertain significance for Hereditary cancer-predisposing syndrome. Last evaluated: 2021-11-16. Review status: criteria provided, single submitter. Criteria: Ambry Variant Classification Scheme 2023. Collection method: clinical testing. Allele origin: germline.
Comment: The c.226-6_228dupTGACAGCAC intronic variant results from a duplication of 6 nucleotides upstream from coding exon 3, plus the first three codons of coding exon 3, of the TSC2 gene. This nucleotide position is not well conserved in available vertebrate species. In silico splice site analysis predicts that this alteration will not have any significant effect on splicing. Since supporting evidence is limited at this time, the clinical significance of this alteration remains unclear.